The following is an entry in ClinVar:

ClinVar aggregate classification (germline): Likely benign. Review status: criteria provided, multiple submitters, no conflicts (2 of 4 stars). 4 submissions from 4 submitters: Likely benign (4). Last evaluated 2025-04-02.

Conditions:
Catecholaminergic polymorphic ventricular tachycardia (CVPT). Also called: Catecholamine-induced polymorphic ventricular tachycardia. Identifiers: Orphanet 3286, MedGen C5574922, MONDO:0017990.
Cardiovascular phenotype. Identifiers: MedGen CN230736.
Cardiomyopathy (CMYO). Also called: Cardiomyopathies. Identifiers: Orphanet 167848, MedGen C0878544, MONDO:0004994, HP:0001638. Inheritance: Various modes of inheritance.
Catecholaminergic polymorphic ventricular tachycardia 1. Also called: VENTRICULAR TACHYCARDIA, CATECHOLAMINERGIC POLYMORPHIC, 1, WITH OR WITHOUT ATRIAL DYSFUNCTION AND/OR DILATED CARDIOMYOPATHY; RYR2-Related Catecholaminergic Polymorphic Ventricular Tachycardia; VENTRICULAR TACHYCARDIA, STRESS-INDUCED POLYMORPHIC 1. Identifiers: Orphanet 3286, MedGen C1631597, MONDO:0011484, OMIM 604772.

Allele frequency attached by ClinVar (database versions not stated): gnomAD exomes below 0.00001; TOPMed below 0.00001; gnomAD 0.00001.
gnomAD v4.1: 7 of 1,611,310 alleles (0.00043%); highest among the groups gnomAD compares: Non-Finnish European, 0.00051%; no homozygotes.

Submissions (4):

Labcorp Genetics (formerly Invitae), Labcorp
Classification: Likely benign for Catecholaminergic polymorphic ventricular tachycardia 1. Last evaluated: 2025-04-02. Review status: criteria provided, single submitter. Criteria: Invitae Variant Classification Sherloc (09022015). Collection method: clinical testing. Allele origin: germline.

All of Us Research Program, National Institutes of Health
Classification: Likely benign for Catecholaminergic polymorphic ventricular tachycardia. Last evaluated: 2024-06-17. Review status: criteria provided, single submitter. Criteria: ACMG Guidelines, 2015. Collection method: clinical testing. Allele origin: germline. Inheritance: Autosomal dominant inheritance. Observed: 1 variant allele, 1 heterozygote.
Comment: This study involves interpretation of variants in research participants for the purpose of population health screening. Participant phenotype was not available at the time of variant classification. Additional details can be found in publication PMID: 35346344, PMCID: PMC8962531

Ambry Genetics
Classification: Likely benign for Cardiovascular phenotype. Last evaluated: 2022-12-12. Review status: criteria provided, single submitter. Criteria: Ambry Variant Classification Scheme 2023. Collection method: clinical testing. Allele origin: germline.

Color Diagnostics, LLC DBA Color Health
Classification: Likely benign for Cardiomyopathy. Last evaluated: 2019-04-20. Review status: criteria provided, single submitter. Criteria: ACMG Guidelines, 2015. Collection method: clinical testing. Allele origin: germline.

NM_001035.3(RYR2):c.13902A>C (p.Val4634=)

Gene: RYR2 (ryanodine receptor 2; plus strand). Cytogenetic location: 1q43.
Variant type: single nucleotide variant.
Coding change: c.13902A>C on transcript NM_001035.3 (MANE Select); coding-DNA position 13902, A replaced by C.
Protein change: p.Val4634=; no amino-acid change (valine 4634 retained).
Molecular consequence: synonymous variant.
Genome position (GRCh38, 1-based): chr1:237,793,986, A>C. VCF-style: chr1-237793986-A-C. GRCh37 (hg19) VCF-style: chr1-237957286-A-C.
Other names: c.13902A>C (NM_001035.2).
Identifiers: ClinVar variation 921432 (VCV000921432.14), dbSNP rs1449876826, ClinGen allele CA423827579.
Genomic context (GRCh38, chr1:237,793,986, plus strand): 5'-GCTTTATATTACAGAACAGCCTTCAGAAGATGATATTAAAGGCCAGTGGGATAGACTCGT[A>C]ATCAACACACAGTGAGTAAATAATTATATGAGACTTTCTGCACTCAAAAATTTCAGACAT-3'
Protein context (NP_001026.2, residues 4624-4644): DDIKGQWDRL[Val4634=]INTQSFPNNY